The following is an entry in ClinVar:

ClinVar aggregate classification (germline): Conflicting classifications of pathogenicity. Review status: criteria provided, conflicting classifications (1 of 4 stars). 5 submissions from 5 submitters: Uncertain significance (4); Likely benign (1). Last evaluated 2025-05-15.

Conditions:
Hereditary cancer-predisposing syndrome. Also called: Neoplastic Syndromes, Hereditary; Tumor predisposition; Hereditary Cancer Syndrome; Hereditary neoplastic syndrome. Identifiers: Orphanet 140162, MedGen C0027672, MeSH D009386, MONDO:0015356.
Hereditary breast ovarian cancer syndrome. Also called: Hereditary breast and ovarian cancer syndrome; Hereditary breast and ovarian cancer; Hereditary breast and ovarian cancer syndrome (HBOC); Breast and ovarian cancer; Hereditary breast and/or ovarian cancer syndrome; BRCA1- and BRCA2-Associated Hereditary Breast and Ovarian Cancer. Identifiers: Orphanet 145, MedGen C0677776, MeSH D061325, MONDO:0003582. Disease mechanism: loss of function.

Submissions (5):

Ambry Genetics
Classification: Likely benign for Hereditary cancer-predisposing syndrome. Last evaluated: 2025-05-15. Review status: criteria provided, single submitter. Criteria: Ambry Variant Classification Scheme 2023. Collection method: clinical testing. Allele origin: germline.

Labcorp Genetics (formerly Invitae), Labcorp
Classification: Uncertain significance for Hereditary breast ovarian cancer syndrome. Last evaluated: 2025-01-26. Review status: criteria provided, single submitter. Criteria: Invitae Variant Classification Sherloc (09022015). Collection method: clinical testing. Allele origin: germline.
Comment: This sequence change replaces glutamine, which is neutral and polar, with leucine, which is neutral and non-polar, at codon 3050 of the BRCA2 protein (p.Gln3050Leu). This variant is not present in population databases (gnomAD no frequency). This variant has not been reported in the literature in individuals affected with BRCA2-related conditions. ClinVar contains an entry for this variant (Variation ID: 485421). Invitae Evidence Modeling of protein sequence and biophysical properties (such as structural, functional, and spatial information, amino acid conservation, physicochemical variation, residue mobility, and thermodynamic stability) indicates that this missense variant is not expected to disrupt BRCA2 protein function with a negative predictive value of 95%. In summary, the available evidence is currently insufficient to determine the role of this variant in disease. Therefore, it has been classified as a Variant of Uncertain Significance.

Color Diagnostics, LLC DBA Color Health
Classification: Uncertain significance for Hereditary cancer-predisposing syndrome. Last evaluated: 2022-03-07. Review status: criteria provided, single submitter. Criteria: ACMG Guidelines, 2015. Collection method: clinical testing. Allele origin: germline.
Comment: This missense variant replaces glutamine with leucine at codon 3050 of the BRCA2 protein. Computational prediction suggests that this variant may not impact protein structure and function (internally defined REVEL score threshold <= 0.5, PMID: 27666373). To our knowledge, functional studies have not been reported for this variant. This variant has not been reported in individuals affected with hereditary cancer in the literature. This variant has not been identified in the general population by the Genome Aggregation Database (gnomAD). The available evidence is insufficient to determine the role of this variant in disease conclusively. Therefore, this variant is classified as a Variant of Uncertain Significance.

GeneDx
Classification: Uncertain significance. Last evaluated: 2021-12-21. Review status: criteria provided, single submitter. Criteria: GeneDx Variant Classification Process June 2021. Collection method: clinical testing. Allele origin: germline. Affected: yes.
Comment: Not observed in large population cohorts (Lek 2016); In silico analysis supports that this missense variant does not alter protein structure/function; Has not been previously published as pathogenic or benign to our knowledge; Also known as 9377A>T

Quest Diagnostics Nichols Institute San Juan Capistrano
Classification: Uncertain significance. Last evaluated: 2017-11-17. Review status: criteria provided, single submitter. Criteria: Quest Diagnostics criteria. Collection method: clinical testing. Allele origin: germline.

NM_000059.4(BRCA2):c.9149A>T (p.Gln3050Leu)

Gene: BRCA2 (BRCA2 DNA repair associated; plus strand). Cytogenetic location: 13q13.1.
Variant type: single nucleotide variant.
Coding change: c.9149A>T on transcript NM_000059.4 (MANE Select); coding-DNA position 9149, A replaced by T.
Protein change: p.Gln3050Leu; replaces glutamine 3050 with leucine.
Molecular consequence: missense variant.
Genome position (GRCh38, 1-based): chr13:32,380,038, A>T. VCF-style: chr13-32380038-A-T. GRCh37 (hg19) VCF-style: chr13-32954175-A-T.
Other names: short protein forms Q3050L.
Identifiers: ClinVar variation 485421 (VCV000485421.24), dbSNP rs1555288535, ClinGen allele CA387757897.